The following is an entry in ClinVar:

ClinVar aggregate classification (germline): Uncertain significance (1 of 4 stars; one submission).

Submission:

GeneDx
Classification: Uncertain significance. Last evaluated: 2020-12-16. Review status: criteria provided, single submitter. Criteria: GeneDx Variant Classification Process June 2021. Collection method: clinical testing. Allele origin: germline. Affected: yes.
Comment: Has not been previously published as pathogenic or benign to our knowledge; In-frame deletion of one amino acid in a non-repeat region; Not observed in large population cohorts (Lek et al., 2016); In silico analysis supports a deleterious effect on protein structure/function

NM_001021.6(RPS17):c.152_154del (p.Ala51del)

Gene: RPS17 (ribosomal protein S17; minus strand). Cytogenetic location: 15q25.2.
Variant type: Deletion.
Coding change: c.152_154del on transcript NM_001021.6 (MANE Select); coding-DNA positions 152 to 154, 3 bases deleted (CAG; older notation c.152_154delCAG).
Protein change: p.Ala51del; deletes alanine 51.
Molecular consequence: inframe deletion. On other transcripts: non-coding transcript variant (2).
Genome position (GRCh38, 1-based): chr15:82,539,982-82,539,984, CTG deleted on the plus strand (CAG on the coding strand, the reverse complement: RPS17 is on the minus strand); deleting any 3 consecutive bases within chr15:82,539,982-82,539,986 gives the same sequence; the c. name uses the placement nearest the transcript's 3' end. VCF-style (leftmost placement, unchanged base first): chr15-82539981-CCTG-C. GRCh37 (hg19) VCF-style: chr15-82824389-CCTG-C.
Other names: c.152_154delCAG (NM_001021.3); short protein forms A51del.
Identifiers: ClinVar variation 449634 (VCV000449634.3), dbSNP rs1555451156, ClinGen allele CA658658305.
Genomic context (GRCh38, chr15:82,539,981, plus strand): 5'-GGGCGGCAGAGCACACAAACAGATCGCGGAGCCCCGGAGGCCGAGGAAGGCCCGACTCAC[CCTG>C]CTATCTTGTTGCGGAGCTTTTTGCTGGGGATAATGGCGATCTCCTCGCACACGCGCTTGT-3'